The following is an entry in ClinVar:

ClinVar aggregate classification (germline): Benign/Likely benign. Review status: criteria provided, multiple submitters, no conflicts (2 of 4 stars). 10 submissions from 10 submitters: Benign (5); Likely benign (4). 1 of the submissions does not count toward it. Last evaluated 2025-06-16.

Conditions:
Autosomal dominant polycystic kidney disease. Identifiers: Orphanet 730, MedGen C0085413, MONDO:0004691.
Polycystic kidney disease, adult type (PKD1). Also called: Polycystic Kidney, Autosomal Dominant; Polycystic Kidney Disease 1, Autosomal Dominant; Polycystic kidney disease 1; Polycystic kidney disease 1, severe; POLYCYSTIC KIDNEY DISEASE 1 WITH OR WITHOUT POLYCYSTIC LIVER DISEASE; POLYCYSTIC KIDNEY DISEASE, ADULT, TYPE I. Identifiers: MedGen C3149841, MONDO:0008263, OMIM 173900.

Allele frequency attached by ClinVar (database versions not stated): 1000 Genomes Project 30x 0.00390; 1000 Genomes Project 0.00399; ESP Exome Variant Server 0.01072; TOPMed 0.01154; ExAC 0.02331.
gnomAD v4.1: 27,849 of 1,574,942 alleles (1.8%); highest among the groups gnomAD compares: Non-Finnish European, 2%; 312 homozygotes.

Submissions (10):

Women's Health and Genetics/Laboratory Corporation of America, LabCorp
Classification: Likely benign. Last evaluated: 2025-06-16. Review status: criteria provided, single submitter. Criteria: LabCorp Variant Classification Summary - May 2015. Collection method: clinical testing. Allele origin: germline.

Blueprint Genetics
Classification: Benign. Last evaluated: 2024-11-27. Review status: criteria provided, single submitter. Criteria: ACMG Guidelines, 2015. Collection method: clinical testing. Allele origin: germline.

Mayo Clinic Laboratories, Mayo Clinic
Classification: Benign. Last evaluated: 2022-10-04. Review status: criteria provided, single submitter. Criteria: ACMG Guidelines, 2015. Collection method: clinical testing. Allele origin: germline. Observed: 17 variant alleles.
Comment: BS1, BS2, BP4, BP5

ARUP Laboratories, Molecular Genetics and Genomics, ARUP Laboratories
Classification: Benign for Polycystic kidney disease, adult type. Last evaluated: 2020-03-16. Review status: criteria provided, single submitter. Criteria: ARUP Molecular Germline Variant Investigation Process. Collection method: clinical testing. Allele origin: germline.

GeneDx
Classification: Benign. Last evaluated: 2019-12-02. Review status: criteria provided, single submitter. Criteria: GeneDx Variant Classification Process June 2021. Collection method: clinical testing. Allele origin: germline. Affected: yes.
Comment: This variant is associated with the following publications: (PMID: 18640754)

Molecular Genetics of Inherited Kidney Disorders Laboratory, Garvan Institute of Medical Research
Classification: Likely benign for Autosomal dominant polycystic kidney disease. Last evaluated: 2019-01-01. Review status: criteria provided, single submitter. Criteria: ACMG Guidelines, 2015. Collection method: research. Allele origin: germline. Affected: yes.

Athena Diagnostics
Classification: Benign for Polycystic kidney disease, adult type. Last evaluated: 2017-05-31. Review status: criteria provided, single submitter. Criteria: Athena Diagnostics Criteria. Collection method: clinical testing. Allele origin: germline.

Breakthrough Genomics
Classification: Likely benign. Review status: criteria provided, single submitter. Criteria: ACMG Guidelines, 2015. Collection method: not provided. Allele origin: germline. Inheritance: Autosomal dominant inheritance. Affected: yes.

PreventionGenetics, part of Exact Sciences
Classification: Likely benign. Review status: criteria provided, single submitter. Criteria: ACMG Guidelines, 2015. Collection method: clinical testing. Allele origin: germline.

Department of Pathology and Laboratory Medicine, Sinai Health System
Classification: Benign. Review status: no assertion criteria provided. Collection method: clinical testing. Allele origin: unknown. Affected: yes. Study: The Canadian Open Genetics Repository (COGR). Not counted in ClinVar's aggregate classification.

Literature cited by the submitters: PubMed 18640754 (cited by Athena Diagnostics).

NM_001009944.3(PKD1):c.3502C>T (p.Pro1168Ser)

Gene: PKD1 (polycystin 1, transient receptor potential channel interacting; minus strand). Cytogenetic location: 16p13.3.
Variant type: single nucleotide variant.
Coding change: c.3502C>T on transcript NM_001009944.3 (MANE Select); coding-DNA position 3502, C replaced by T.
Protein change: p.Pro1168Ser; replaces proline 1168 with serine.
Molecular consequence: missense variant.
Genome position (GRCh38, 1-based): chr16:2,111,665, G>A on the plus strand (C>T on the coding strand, the complement: PKD1 is on the minus strand). VCF-style: chr16-2111665-G-A. GRCh37 (hg19) VCF-style: chr16-2161666-G-A.
Other names: c.3502C>T, p.Pro1168Ser (NM_000296.4); short protein forms P1168S.
Identifiers: ClinVar variation 256953 (VCV000256953.19), dbSNP rs146887330, ClinGen allele CA7832746.